The following is an entry in ClinVar:

NM_033337.3(CAV3):c.372C>G (p.Cys124Trp)

Genes: CAV3 (caveolin 3; plus strand), OXTR (oxytocin receptor; minus strand). Cytogenetic location: 3p25.3.
Variant type: single nucleotide variant.
Coding change: c.372C>G on transcript NM_033337.3 (MANE Select); coding-DNA position 372, C replaced by G.
Protein change: p.Cys124Trp; replaces cysteine 124 with tryptophan.
Molecular consequence: missense variant.
Genome position (GRCh38, 1-based): chr3:8,745,783, C>G. VCF-style: chr3-8745783-C-G. GRCh37 (hg19) VCF-style: chr3-8787469-C-G.
Other names: c.372C>G, p.Cys124Trp (NM_001234.5); short protein forms C124W.
Identifiers: ClinVar variation 1734362 (VCV001734362.3), dbSNP rs894963662, ClinGen allele CA351663632.

ClinVar aggregate classification (germline): Uncertain significance (1 of 4 stars; one submission).

Conditions:
Cardiovascular phenotype. Identifiers: MedGen CN230736.

Submission:

Ambry Genetics
Classification: Uncertain significance for Cardiovascular phenotype. Last evaluated: 2023-03-09. Review status: criteria provided, single submitter. Criteria: Ambry Variant Classification Scheme 2023. Collection method: clinical testing. Allele origin: germline.
Comment: The p.C124W variant (also known as c.372C>G), located in coding exon 2 of the CAV3 gene, results from a C to G substitution at nucleotide position 372. The cysteine at codon 124 is replaced by tryptophan, an amino acid with highly dissimilar properties. This amino acid position is highly conserved in available vertebrate species. In addition, this alteration is predicted to be deleterious by in silico analysis. Since supporting evidence is limited at this time, the clinical significance of this alteration remains unclear.